The following is an entry in ClinVar:

NM_004531.5(MOCS2):c.511G>A (p.Glu171Lys)

Gene: MOCS2 (molybdenum cofactor synthesis 2; minus strand). Cytogenetic location: 5q11.2.
Variant type: single nucleotide variant.
Coding change: c.511G>A on transcript NM_004531.5 (MANE Select); coding-DNA position 511, G replaced by A.
Protein change: p.Glu171Lys; replaces glutamic acid 171 with lysine.
Molecular consequence: missense variant. On other transcripts: 3 prime UTR variant (1).
Genome position (GRCh38, 1-based): chr5:53,098,658, C>T on the plus strand (G>A on the coding strand, the complement: MOCS2 is on the minus strand). VCF-style: chr5-53098658-C-T. GRCh37 (hg19) VCF-style: chr5-52394488-C-T.
Other names: c.*431G>A (NM_176806.4); short protein forms E171K.
Identifiers: ClinVar variation 1436575 (VCV001436575.8), dbSNP rs766166640, ClinGen allele CA3263585.

ClinVar aggregate classification (germline): Uncertain significance. Review status: criteria provided, multiple submitters, no conflicts (2 of 4 stars). 2 submissions from 2 submitters: Uncertain significance (2). Last evaluated 2024-04-02.

Conditions:
Sulfite oxidase deficiency due to molybdenum cofactor deficiency type B1 (MOCODB1). Also called: Molybdenum cofactor deficiency, complementation group B; MOLYBDENUM COFACTOR DEFICIENCY, TYPE B1; Molybdenum cofactor deficiency B; Sulfite oxidase deficiency due to molybdenum cofactor deficiency type B. Identifiers: Orphanet 308393, Orphanet 833, MedGen C6065887, MONDO:0009644, OMIM 252160.

Allele frequency attached by ClinVar (database versions not stated): ExAC 0.00001; gnomAD 0.00001; gnomAD exomes 0.00001; TOPMed 0.00002.

Submissions (2):

Fulgent Genetics
Classification: Uncertain significance for Sulfite oxidase deficiency due to molybdenum cofactor deficiency type B1. Last evaluated: 2024-04-02. Review status: criteria provided, single submitter. Criteria: ACMG Guidelines, 2015. Collection method: clinical testing. Allele origin: germline.

Labcorp Genetics (formerly Invitae), Labcorp
Classification: Uncertain significance. Last evaluated: 2024-01-24. Review status: criteria provided, single submitter. Criteria: Invitae Variant Classification Sherloc (09022015). Collection method: clinical testing. Allele origin: germline.
Comment: This sequence change replaces glutamic acid, which is acidic and polar, with lysine, which is basic and polar, at codon 171 of the MOCS2B protein (p.Glu171Lys). This variant is present in population databases (rs766166640, gnomAD 0.006%). This variant has not been reported in the literature in individuals affected with MOCS2B-related conditions. ClinVar contains an entry for this variant (Variation ID: 1436575). An algorithm developed to predict the effect of missense changes on protein structure and function (PolyPhen-2) suggests that this variant¬†is likely to be tolerated. Algorithms developed to predict the effect of sequence changes on RNA splicing suggest that this variant may disrupt the consensus splice site. In summary, the available evidence is currently insufficient to determine the role of this variant in disease. Therefore, it has been classified as a Variant of Uncertain Significance.